The following is an entry in ClinVar:

NM_152415.3(VPS37A):c.1165A>T (p.Met389Leu)

Gene: VPS37A (VPS37A subunit of ESCRT-I; plus strand). Cytogenetic location: 8p22.
Variant type: single nucleotide variant.
Coding change: c.1165A>T on transcript NM_152415.3 (MANE Select); coding-DNA position 1165, A replaced by T.
Protein change: p.Met389Leu; replaces methionine 389 with leucine.
Molecular consequence: missense variant.
Genome position (GRCh38, 1-based): chr8:17,286,398, A>T. VCF-style: chr8-17286398-A-T. GRCh37 (hg19) VCF-style: chr8-17143907-A-T.
Other names: c.1090A>T, p.Met364Leu (NM_001145152.2); c.1147A>T, p.Met383Leu (NM_001363167.1); c.895A>T, p.Met299Leu (NM_001363168.1, NM_001363169.1); c.877A>T, p.Met293Leu (NM_001363170.1, NM_001363171.1, NM_001363172.2); c.1165A>T, p.Met389Leu (NM_001363173.2); short protein forms M364L, M383L, M293L, M299L, M389L.
Identifiers: ClinVar variation 860233 (VCV000860233.5), dbSNP rs773370398, ClinGen allele CA4643641.

ClinVar aggregate classification (germline): Uncertain significance (1 of 4 stars; one submission).

Conditions:
Hereditary spastic paraplegia 53. Also called: Spastic paraplegia 53, autosomal recessive. Identifiers: Orphanet 319199, MedGen C3539494, MONDO:0013962, OMIM 614898.

Allele frequency attached by ClinVar (database versions not stated): ExAC 0.00001; TOPMed 0.00002.
gnomAD v4.1: 18 of 1,613,920 alleles (0.0011%); highest among the groups gnomAD compares: Middle Eastern, 0.033%; no homozygotes.

Submission:

Labcorp Genetics (formerly Invitae), Labcorp
Classification: Uncertain significance for Hereditary spastic paraplegia 53. Last evaluated: 2025-03-07. Review status: criteria provided, single submitter. Criteria: Invitae Variant Classification Sherloc (09022015). Collection method: clinical testing. Allele origin: germline.
Comment: This sequence change replaces methionine, which is neutral and non-polar, with leucine, which is neutral and non-polar, at codon 389 of the VPS37A protein (p.Met389Leu). This variant is present in population databases (rs773370398, gnomAD 0.002%). This variant has not been reported in the literature in individuals affected with VPS37A-related conditions. ClinVar contains an entry for this variant (Variation ID: 860233). Invitae Evidence Modeling of protein sequence and biophysical properties (such as structural, functional, and spatial information, amino acid conservation, physicochemical variation, residue mobility, and thermodynamic stability) indicates that this missense variant is not expected to disrupt VPS37A protein function with a negative predictive value of 80%. In summary, the available evidence is currently insufficient to determine the role of this variant in disease. Therefore, it has been classified as a Variant of Uncertain Significance.